The following is an entry in ClinVar:

ClinVar aggregate classification (germline): Uncertain significance (1 of 4 stars; one submission).

Conditions:
Hereditary hemorrhagic telangiectasia (HHT). Also called: Osler hemorrhagic telangiectasia syndrome; ORW DISEASE; Osler Weber Rendu syndrome; OSLER-RENDU-WEBER DISEASE. Identifiers: Orphanet 774, MedGen C0039445, MONDO:0019180. Disease mechanism: loss of function.

Submission:

Labcorp Genetics (formerly Invitae), Labcorp
Classification: Uncertain significance for Hereditary hemorrhagic telangiectasia. Last evaluated: 2020-09-17. Review status: criteria provided, single submitter. Criteria: Invitae Variant Classification Sherloc (09022015). Collection method: clinical testing. Allele origin: germline.
Comment: This sequence change replaces proline with serine at codon 72 of the ENG protein (p.Pro72Ser). The proline residue is weakly conserved and there is a moderate physicochemical difference between proline and serine. This variant is not present in population databases (ExAC no frequency). In summary, the available evidence is currently insufficient to determine the role of this variant in disease. Therefore, it has been classified as a Variant of Uncertain Significance. Algorithms developed to predict the effect of missense changes on protein structure and function output the following: SIFT: "Tolerated"; PolyPhen-2: "Benign"; Align-GVGD: "Class C0". The serine amino acid residue is found in multiple mammalian species, suggesting that this missense change does not adversely affect protein function. These predictions have not been confirmed by published functional studies and their clinical significance is uncertain. This variant has been observed in an individual affected with pulmonary arterial hypertension (PMID: 29743074).

Literature cited by the submitters: PubMed 29743074.

NM_001114753.3(ENG):c.214C>T (p.Pro72Ser)

Gene: ENG (endoglin; minus strand). Cytogenetic location: 9q34.11.
Variant type: single nucleotide variant.
Coding change: c.214C>T on transcript NM_001114753.3 (MANE Select); coding-DNA position 214, C replaced by T.
Protein change: p.Pro72Ser; replaces proline 72 with serine.
Molecular consequence: missense variant. On other transcripts: 5 prime UTR variant (1).
Genome position (GRCh38, 1-based): chr9:127,843,099, G>A on the plus strand (C>T on the coding strand, the complement: ENG is on the minus strand). VCF-style: chr9-127843099-G-A. GRCh37 (hg19) VCF-style: chr9-130605378-G-A.
Other names: c.214C>T, p.Pro72Ser (NM_000118.4, NM_001406715.1); c.-333C>T (NM_001278138.2); short protein forms P72S.
Identifiers: ClinVar variation 952551 (VCV000952551.11), dbSNP rs1831079928, ClinGen allele CA374988862.